The following is an entry in ClinVar:

ClinVar aggregate classification (germline): Uncertain significance. Review status: criteria provided, multiple submitters, no conflicts (2 of 4 stars). 2 submissions from 2 submitters: Uncertain significance (2). Last evaluated 2024-09-18.

Conditions:
GM3 synthase deficiency (SPDRS). Also called: AMISH INFANTILE EPILEPSY SYNDROME; SALT AND PEPPER MENTAL RETARDATION SYNDROME; SALT AND PEPPER DEVELOPMENTAL REGRESSION SYNDROME. Identifiers: Orphanet 171714, Orphanet 370933, MedGen C1836824, MONDO:0018274, OMIM 609056.
Inborn genetic diseases. Identifiers: MedGen C0950123, MeSH D030342.

Allele frequency attached by ClinVar (database versions not stated): TOPMed 0.00001.

Submissions (2):

Ambry Genetics
Classification: Uncertain significance for Inborn genetic diseases. Last evaluated: 2024-09-18. Review status: criteria provided, single submitter. Criteria: Ambry Variant Classification Scheme 2023. Collection method: clinical testing. Allele origin: germline.

Labcorp Genetics (formerly Invitae), Labcorp
Classification: Uncertain significance for GM3 synthase deficiency. Last evaluated: 2021-08-27. Review status: criteria provided, single submitter. Criteria: Invitae Variant Classification Sherloc (09022015). Collection method: clinical testing. Allele origin: germline.
Comment: This sequence change replaces aspartic acid with asparagine at codon 217 of the ST3GAL5 protein (p.Asp217Asn). The aspartic acid residue is highly conserved and there is a small physicochemical difference between aspartic acid and asparagine. This variant is present in population databases (rs767789131, ExAC 0.006%). This variant has not been reported in the literature in individuals affected with ST3GAL5-related conditions. Algorithms developed to predict the effect of missense changes on protein structure and function are either unavailable or do not agree on the potential impact of this missense change (SIFT: "Deleterious"; PolyPhen-2: "Probably Damaging"; Align-GVGD: "Class C15"). In summary, the available evidence is currently insufficient to determine the role of this variant in disease. Therefore, it has been classified as a Variant of Uncertain Significance.

NM_003896.4(ST3GAL5):c.649G>A (p.Asp217Asn)

Gene: ST3GAL5 (ST3 beta-galactoside alpha-2,3-sialyltransferase 5; minus strand). Cytogenetic location: 2p11.2.
Variant type: single nucleotide variant.
Coding change: c.649G>A on transcript NM_003896.4 (MANE Select); coding-DNA position 649, G replaced by A.
Protein change: p.Asp217Asn; replaces aspartic acid 217 with asparagine.
Molecular consequence: missense variant. On other transcripts: 5 prime UTR variant (1).
Genome position (GRCh38, 1-based): chr2:85,847,874, C>T on the plus strand (G>A on the coding strand, the complement: ST3GAL5 is on the minus strand). VCF-style: chr2-85847874-C-T. GRCh37 (hg19) VCF-style: chr2-86074997-C-T.
Other names: c.649G>A (NM_003896.3); c.265G>A, p.Asp89Asn (NM_001354234.1, NM_001354248.1, NM_001354223.2 and 3 more transcripts); c.565G>A, p.Asp189Asn (NM_001354238.1, NM_001354227.2, NM_001354229.2); c.-256G>A (NM_001354247.1); c.649G>A, p.Asp217Asn (NM_001363847.1); c.580G>A, p.Asp194Asn (NM_001042437.2); short protein forms D89N, D217N, D194N, D189N.
Identifiers: ClinVar variation 1046841 (VCV001046841.7), dbSNP rs767789131, ClinGen allele CA1745008.